The following is an entry in ClinVar:

ClinVar aggregate classification (germline): Conflicting classifications of pathogenicity. Review status: criteria provided, conflicting classifications (1 of 4 stars). 3 submissions from 3 submitters: Uncertain significance (2); Likely benign (1). Last evaluated 2025-09-10.

Conditions:
Inborn genetic diseases. Identifiers: MedGen C0950123, MeSH D030342.

Allele frequency attached by ClinVar (database versions not stated): ExAC 0.00001; gnomAD exomes 0.00002 and 0.00003.
gnomAD v4.1: 41 of 1,613,198 alleles (0.0025%); highest among the groups gnomAD compares: Non-Finnish European, 0.0031%; no homozygotes.

Submissions (3):

Ambry Genetics
Classification: Uncertain significance for Inborn genetic diseases. Last evaluated: 2025-09-10. Review status: criteria provided, single submitter. Criteria: Ambry Variant Classification Scheme 2023. Collection method: clinical testing. Allele origin: germline.

GeneDx
Classification: Uncertain significance. Last evaluated: 2023-12-11. Review status: criteria provided, single submitter. Criteria: GeneDx Variant Classification Process June 2021. Collection method: clinical testing. Allele origin: germline. Affected: yes.
Comment: In silico analysis supports that this missense variant does not alter protein structure/function; Has not been previously published as pathogenic or benign to our knowledge

Labcorp Genetics (formerly Invitae), Labcorp
Classification: Likely benign. Last evaluated: 2018-03-06. Review status: criteria provided, single submitter. Criteria: Invitae Variant Classification Sherloc (09022015). Collection method: clinical testing. Allele origin: germline.

NM_018896.5(CACNA1G):c.2132G>A (p.Arg711Gln)

Gene: CACNA1G (calcium voltage-gated channel subunit alpha1 G; plus strand). Cytogenetic location: 17q21.33.
Variant type: single nucleotide variant.
Coding change: c.2132G>A on transcript NM_018896.5 (MANE Select); coding-DNA position 2132, G replaced by A.
Protein change: p.Arg711Gln; replaces arginine 711 with glutamine.
Molecular consequence: missense variant. On other transcripts: non-coding transcript variant (5).
Genome position (GRCh38, 1-based): chr17:50,578,395, G>A. VCF-style: chr17-50578395-G-A. GRCh37 (hg19) VCF-style: chr17-48655756-G-A.
Other names: c.2132G>A, p.Arg711Gln (NM_001256324.2, NM_001256325.2, NM_001256326.2 and 24 more transcripts); c.2132G>A (NM_018896.3); short protein forms R711Q.
Identifiers: ClinVar variation 728039 (VCV000728039.7), dbSNP rs768461820, ClinGen allele CA8652341.